The following is an entry in ClinVar:

NM_000782.5(CYP24A1):c.259-5T>C

Gene: CYP24A1 (cytochrome P450 family 24 subfamily A member 1; minus strand). Cytogenetic location: 20q13.2.
Variant type: single nucleotide variant.
Coding change: c.259-5T>C on transcript NM_000782.5 (MANE Select); 5 bases into the intron before coding-DNA position 259, T replaced by C.
Molecular consequence: intron variant.
Genome position (GRCh38, 1-based): chr20:54,173,104, A>G on the plus strand (T>C on the coding strand, the complement: CYP24A1 is on the minus strand). VCF-style: chr20-54173104-A-G. GRCh37 (hg19) VCF-style: chr20-52789643-A-G.
Other names: c.259-5T>C (NM_001128915.2).
Identifiers: ClinVar variation 338834 (VCV000338834.37), dbSNP rs372360343, ClinGen allele CA9916219.

ClinVar aggregate classification (germline): Conflicting classifications of pathogenicity. Review status: criteria provided, conflicting classifications (1 of 4 stars). 3 submissions from 3 submitters: Uncertain significance (1); Likely benign (2). Last evaluated 2025-11-12.

Conditions:
Hypercalcemia, infantile, 1 (HCINF1). Identifiers: Orphanet 300547, MedGen CN031131, MONDO:0020739, OMIM 143880.

Allele frequency attached by ClinVar (database versions not stated): ESP Exome Variant Server 0.00008; TOPMed 0.00016; ExAC 0.00017.
gnomAD v4.1: 211 of 1,601,806 alleles (0.013%); highest among the groups gnomAD compares: Non-Finnish European, 0.0025%; 1 homozygote.

Submissions (3):

Labcorp Genetics (formerly Invitae), Labcorp
Classification: Likely benign. Last evaluated: 2025-11-12. Review status: criteria provided, single submitter. Criteria: Invitae Variant Classification Sherloc (09022015). Collection method: clinical testing. Allele origin: germline.

CeGaT Center for Human Genetics Tuebingen
Classification: Likely benign. Last evaluated: 2023-06-01. Review status: criteria provided, single submitter. Criteria: CeGaT Center For Human Genetics Tuebingen Variant Classification Criteria Version 2. Collection method: clinical testing. Allele origin: germline. Affected: yes. Observed: 1 variant allele.
Comment: CYP24A1: BP4

Illumina Laboratory Services, Illumina
Classification: Uncertain significance for Hypercalcemia, infantile, 1. Last evaluated: 2018-01-13. Review status: criteria provided, single submitter. Criteria: ICSL Variant Classification Criteria 13 December 2019. Collection method: clinical testing. Allele origin: germline.